The following is an entry in ClinVar:

ClinVar aggregate classification (germline): Uncertain significance. Review status: criteria provided, multiple submitters, no conflicts (2 of 4 stars). 5 submissions from 5 submitters: Uncertain significance (4). 1 of the submissions does not count toward it. Last evaluated 2026-02-11.

Conditions:
Bloom syndrome (BLM). Also called: Bloom-Torre-Machacek syndrome. Identifiers: Orphanet 125, MedGen C0005859, MONDO:0008876, OMIM 210900.
Hereditary cancer-predisposing syndrome. Also called: Neoplastic Syndromes, Hereditary; Tumor predisposition; Hereditary neoplastic syndrome; Hereditary Cancer Syndrome. Identifiers: Orphanet 140162, MedGen C0027672, MeSH D009386, MONDO:0015356.

Allele frequency attached by ClinVar (database versions not stated): gnomAD 0.00001; TOPMed 0.00001.
gnomAD v4.1: 1 of 1,613,974 alleles (0.000062%); highest among the groups gnomAD compares: African/African-American, 0.0013%; no homozygotes.

Submissions (5):

GeneDx
Classification: Uncertain significance. Last evaluated: 2026-02-11. Review status: criteria provided, single submitter. Criteria: GeneDx Variant Classification Process June 2021. Collection method: clinical testing. Allele origin: germline.
Comment: Not observed at significant frequency in large population cohorts (gnomAD); In silico analysis suggests that this missense variant does not alter protein structure/function; Has not been previously published as pathogenic or benign to our knowledge

Labcorp Genetics (formerly Invitae), Labcorp
Classification: Uncertain significance for Bloom syndrome. Last evaluated: 2025-05-08. Review status: criteria provided, single submitter. Criteria: Invitae Variant Classification Sherloc (09022015). Collection method: clinical testing. Allele origin: germline.
Comment: This sequence change replaces threonine, which is neutral and polar, with alanine, which is neutral and non-polar, at codon 494 of the BLM protein (p.Thr494Ala). This variant is not present in population databases (gnomAD no frequency). This variant has not been reported in the literature in individuals affected with BLM-related conditions. ClinVar contains an entry for this variant (Variation ID: 1001744). Invitae Evidence Modeling of protein sequence and biophysical properties (such as structural, functional, and spatial information, amino acid conservation, physicochemical variation, residue mobility, and thermodynamic stability) indicates that this missense variant is not expected to disrupt BLM protein function with a negative predictive value of 80%. In summary, the available evidence is currently insufficient to determine the role of this variant in disease. Therefore, it has been classified as a Variant of Uncertain Significance.

Ambry Genetics
Classification: Uncertain significance for Hereditary cancer-predisposing syndrome. Last evaluated: 2025-04-09. Review status: criteria provided, single submitter. Criteria: Ambry Variant Classification Scheme 2023. Collection method: clinical testing. Allele origin: germline.

Quest Diagnostics Nichols Institute San Juan Capistrano
Classification: Uncertain significance. Last evaluated: 2024-01-23. Review status: criteria provided, single submitter. Criteria: Quest Diagnostics criteria. Collection method: clinical testing. Allele origin: unknown.
Comment: The BLM c.1480A>G (p.Thr494Ala) variant has not been reported in individuals with BLM-related conditions in the published literature. The frequency of this variant in the general population, 0.0000066 (1/152198 chromosomes (Genome Aggregation Database)), is uninformative in the assessment of its pathogenicity. Analysis of this variant using bioinformatics tools for the prediction of the effect of amino acid changes on protein structure and function yielded predictions that this variant is benign. Based on the available information, we are unable to determine the clinical significance of this variant.

Natera, Inc.
Classification: Uncertain significance for Bloom syndrome. Last evaluated: 2021-02-22. Review status: no assertion criteria provided. Collection method: clinical testing. Allele origin: germline. Not counted in ClinVar's aggregate classification.

NM_000057.4(BLM):c.1480A>G (p.Thr494Ala)

Gene: BLM (BLM RecQ like helicase; plus strand). Cytogenetic location: 15q26.1.
Variant type: single nucleotide variant.
Coding change: c.1480A>G on transcript NM_000057.4 (MANE Select); coding-DNA position 1480, A replaced by G.
Protein change: p.Thr494Ala; replaces threonine 494 with alanine.
Molecular consequence: missense variant.
Genome position (GRCh38, 1-based): chr15:90,760,853, A>G. VCF-style: chr15-90760853-A-G. GRCh37 (hg19) VCF-style: chr15-91304083-A-G.
Other names: c.1480A>G (NM_000057.2, NM_000057.3); c.1480A>G, p.Thr494Ala (NM_001287246.2, NM_001287247.2); c.355A>G, p.Thr119Ala (NM_001287248.2); short protein forms T119A, T494A.
Identifiers: ClinVar variation 1001744 (VCV001001744.18), dbSNP rs1596229967, ClinGen allele CA393843150.